The following is an entry in ClinVar:

NM_020376.4(PNPLA2):c.953T>C (p.Leu318Pro)

Gene: PNPLA2 (patatin like domain 2, triacylglycerol lipase; plus strand). Cytogenetic location: 11p15.5.
Variant type: single nucleotide variant.
Coding change: c.953T>C on transcript NM_020376.4 (MANE Select); coding-DNA position 953, T replaced by C.
Protein change: p.Leu318Pro; replaces leucine 318 with proline.
Molecular consequence: missense variant.
Genome position (GRCh38, 1-based): chr11:824,031, T>C. VCF-style: chr11-824031-T-C. GRCh37 (hg19) VCF-style: chr11-824031-T-C.
Other names: short protein forms L318P.
Identifiers: ClinVar variation 465803 (VCV000465803.8), dbSNP rs775075567, ClinGen allele CA5791257.
Genomic context (GRCh38, chr11:824,031, plus strand): 5'-GGCCGCCGACCTCCCGCCCACCCGCAGCCCTGCTGGAGGCCTGCGTGGAGCCCACGGACC[T>C]GCTGACCACCCTCTCCAACATGCTGCCTGTGCGTCTGGCCACGGCCATGATGGTGCCCTA-3'
Protein context (NP_065109.1, residues 308-328): LLEACVEPTD[Leu318Pro]LTTLSNMLPV

ClinVar aggregate classification (germline): Uncertain significance. Review status: criteria provided, multiple submitters, no conflicts (2 of 4 stars). 2 submissions from 2 submitters: Uncertain significance (2). Last evaluated 2023-04-18.

Conditions:
Neutral lipid storage myopathy (NLSDM). Also called: NEUTRAL LIPID STORAGE DISEASE WITHOUT ICHTHYOSIS. Identifiers: Orphanet 98908, MedGen C1853136, MONDO:0012545, OMIM 610717.
Inborn genetic diseases. Identifiers: MedGen C0950123, MeSH D030342.

Allele frequency attached by ClinVar (database versions not stated): gnomAD 0.00001; gnomAD exomes 0.00001; ExAC 0.00002.
gnomAD v4.1: 10 of 1,610,378 alleles (0.00062%); highest among the groups gnomAD compares: Non-Finnish European, 0.00085%; no homozygotes.

Submissions (2):

Ambry Genetics
Classification: Uncertain significance for Inborn genetic diseases. Last evaluated: 2023-04-18. Review status: criteria provided, single submitter. Criteria: Ambry Variant Classification Scheme 2023. Collection method: clinical testing. Allele origin: germline.

Labcorp Genetics (formerly Invitae), Labcorp
Classification: Uncertain significance for Neutral lipid storage myopathy. Last evaluated: 2022-08-16. Review status: criteria provided, single submitter. Criteria: Invitae Variant Classification Sherloc (09022015). Collection method: clinical testing. Allele origin: germline.
Comment: This sequence change replaces leucine, which is neutral and non-polar, with proline, which is neutral and non-polar, at codon 318 of the PNPLA2 protein (p.Leu318Pro). In summary, the available evidence is currently insufficient to determine the role of this variant in disease. Therefore, it has been classified as a Variant of Uncertain Significance. Algorithms developed to predict the effect of missense changes on protein structure and function are either unavailable or do not agree on the potential impact of this missense change (SIFT: "Deleterious"; PolyPhen-2: "Benign"; Align-GVGD: "Class C25"). ClinVar contains an entry for this variant (Variation ID: 465803). This variant has not been reported in the literature in individuals affected with PNPLA2-related conditions. This variant is present in population databases (rs775075567, gnomAD 0.002%).